The following is an entry in ClinVar:

NM_014625.4(NPHS2):c.284C>T (p.Ser95Phe)

Gene: NPHS2 (NPHS2 stomatin family member, podocin; minus strand). Cytogenetic location: 1q25.2.
Variant type: single nucleotide variant.
Coding change: c.284C>T on transcript NM_014625.4 (MANE Select); coding-DNA position 284, C replaced by T.
Protein change: p.Ser95Phe; replaces serine 95 with phenylalanine.
Molecular consequence: missense variant.
Genome position (GRCh38, 1-based): chr1:179,564,784, G>A on the plus strand (C>T on the coding strand, the complement: NPHS2 is on the minus strand). VCF-style: chr1-179564784-G-A. GRCh37 (hg19) VCF-style: chr1-179533919-G-A.
Other names: c.284C>T, p.Ser95Phe (NM_001297575.2); c.284C>T (NM_014625.3); short protein forms S95F.
Identifiers: ClinVar variation 1409469 (VCV001409469.6), dbSNP rs1187796947, ClinGen allele CA343571128.

ClinVar aggregate classification (germline): Uncertain significance. Review status: criteria provided, single submitter (1 of 4 stars). 2 submissions from 2 submitters: Uncertain significance (1). 1 of the submissions does not count toward it. Last evaluated 2022-08-23.

Conditions:
Steroid-resistant nephrotic syndrome. Identifiers: MedGen C0403397, MONDO:0044765, HP:0012588.

Allele frequency attached by ClinVar (database versions not stated): gnomAD 0.00001.

Submissions (2):

Labcorp Genetics (formerly Invitae), Labcorp
Classification: Uncertain significance. Last evaluated: 2022-08-23. Review status: criteria provided, single submitter. Criteria: Invitae Variant Classification Sherloc (09022015). Collection method: clinical testing. Allele origin: germline.
Comment: This sequence change replaces serine, which is neutral and polar, with phenylalanine, which is neutral and non-polar, at codon 95 of the NPHS2 protein (p.Ser95Phe). This variant is present in population databases (no rsID available, gnomAD no frequency). This missense change has been observed in individual(s) with congenital nephrotic syndrome (PMID: 29663071). ClinVar contains an entry for this variant (Variation ID: 1409469). Advanced modeling of protein sequence and biophysical properties (such as structural, functional, and spatial information, amino acid conservation, physicochemical variation, residue mobility, and thermodynamic stability) performed at Invitae indicates that this missense variant is not expected to disrupt NPHS2 protein function. In summary, the available evidence is currently insufficient to determine the role of this variant in disease. Therefore, it has been classified as a Variant of Uncertain Significance.

Natera, Inc.
Classification: Uncertain significance for Steroid-resistant nephrotic syndrome. Last evaluated: 2025-05-27. Review status: no assertion criteria provided. Collection method: clinical testing. Allele origin: germline. Not counted in ClinVar's aggregate classification.

Literature cited by the submitters: PubMed 29663071 (cited by Labcorp Genetics (formerly Invitae), Labcorp).